The following is an entry in ClinVar:

ClinVar aggregate classification (germline): Pathogenic (1 of 4 stars; one submission).

Submission:

GeneDx
Classification: Pathogenic. Last evaluated: 2017-04-20. Review status: criteria provided, single submitter. Criteria: GeneDx Variant Classification (06012015). Collection method: clinical testing. Allele origin: germline. Affected: yes.
Comment: The A1186T variant in the SMARCA4 gene has not been reported previously as a germline pathogenic variant, nor as a benign variant, to our knowledge. The A1186T variant is not observed in large population cohorts (Lek et al., 2016; 1000 Genomes Consortium et al., 2015; Exome Variant Server). The A1186T variant is a non-conservative amino acid substitution, which is likely to impact secondary protein structure as these residues differ in polarity, charge, size and/or other properties. This substitution occurs within the HELICc domain at a position that is conserved across species (Witkowski et al., 2014). In silico analysis predicts this variant is probably damaging to the protein structure/function. We interpret A1186T as a pathogenic variant

NM_003072.5(SMARCA4):c.3556G>A (p.Ala1186Thr)

Gene: SMARCA4 (SWI/SNF related, matrix associated, actin dependent regulator of chromatin, subfamily a, member 4; plus strand). Cytogenetic location: 19p13.2.
Variant type: single nucleotide variant.
Coding change: c.3556G>A on transcript NM_003072.5 (MANE Select); coding-DNA position 3556, G replaced by A.
Protein change: p.Ala1186Thr; replaces alanine 1186 with threonine.
Molecular consequence: missense variant. On other transcripts: non-coding transcript variant (1).
Genome position (GRCh38, 1-based): chr19:11,033,299, G>A. VCF-style: chr19-11033299-G-A. GRCh37 (hg19) VCF-style: chr19-11143975-G-A.
Other names: c.3556G>A, p.Ala1186Thr (NM_001128844.3, NM_001128845.2, NM_001128846.2 and 5 more transcripts); short protein forms A1186T.
Identifiers: ClinVar variation 426308 (VCV000426308.2), dbSNP rs1085307556, ClinGen allele CA404065107.
Genomic context (GRCh38, chr19:11,033,299, plus strand): 5'-TTTTATGACCTCCTGGGCTCCTTTGGGACTGACTGGCACCTCTTCCCCCAGGACCTGCAA[G>A]CGCAGGACCGAGCCCACCGCATCGGGCAGCAGAACGAGGTGCGTGTGCTCCGCCTCTGCA-3'
Protein context (NP_003063.2, residues 1176-1196): SDWNPHQDLQ[Ala1186Thr]QDRAHRIGQQ